The following is an entry in ClinVar:

ClinVar aggregate classification (germline): Uncertain significance (1 of 4 stars; one submission).

Allele frequency attached by ClinVar (database versions not stated): gnomAD exomes below 0.00001.
gnomAD v4.1: 1 of 1,613,998 alleles (0.000062%); no homozygotes.

Submission:

Labcorp Genetics (formerly Invitae), Labcorp
Classification: Uncertain significance. Last evaluated: 2022-09-07. Review status: criteria provided, single submitter. Criteria: Invitae Variant Classification Sherloc (09022015). Collection method: clinical testing. Allele origin: germline.
Comment: In summary, the available evidence is currently insufficient to determine the role of this variant in disease. Therefore, it has been classified as a Variant of Uncertain Significance. Advanced modeling of protein sequence and biophysical properties (such as structural, functional, and spatial information, amino acid conservation, physicochemical variation, residue mobility, and thermodynamic stability) performed at Invitae indicates that this missense variant is not expected to disrupt COL9A1 protein function. ClinVar contains an entry for this variant (Variation ID: 1449311). This variant has not been reported in the literature in individuals affected with COL9A1-related conditions. This variant is not present in population databases (gnomAD no frequency). This sequence change replaces alanine, which is neutral and non-polar, with threonine, which is neutral and polar, at codon 224 of the COL9A1 protein (p.Ala224Thr).

NM_001851.6(COL9A1):c.670G>A (p.Ala224Thr)

Gene: COL9A1 (collagen type IX alpha 1 chain; minus strand). Cytogenetic location: 6q13.
Variant type: single nucleotide variant.
Coding change: c.670G>A on transcript NM_001851.6 (MANE Select); coding-DNA position 670, G replaced by A.
Protein change: p.Ala224Thr; replaces alanine 224 with threonine.
Molecular consequence: missense variant.
Genome position (GRCh38, 1-based): chr6:70,294,193, C>T on the plus strand (G>A on the coding strand, the complement: COL9A1 is on the minus strand). VCF-style: chr6-70294193-C-T. GRCh37 (hg19) VCF-style: chr6-71003896-C-T.
Other names: c.670G>A, p.Ala224Thr (NM_001377291.1); short protein forms A224T.
Identifiers: ClinVar variation 1449311 (VCV001449311.5), dbSNP rs2127604892, ClinGen allele CA364670408.